The following is an entry in ClinVar:

ClinVar aggregate classification (germline): Conflicting classifications of pathogenicity. Review status: criteria provided, conflicting classifications (1 of 4 stars). 5 submissions from 5 submitters: Pathogenic (1); Uncertain significance (4). Last evaluated 2025-07-29.

Conditions:
Autosomal recessive nonsyndromic hearing loss 3. Also called: NEUROSENSORY NONSYNDROMIC RECESSIVE DEAFNESS 3. Identifiers: Orphanet 90636, MedGen C1838263, MONDO:0010860, OMIM 600316.

Allele frequency attached by ClinVar (database versions not stated): TOPMed 0.00004; gnomAD 0.00009; 1000 Genomes Project 0.00020; 1000 Genomes Project 30x 0.00031.
gnomAD v4.1: 110 of 1,567,832 alleles (0.007%); highest among the groups gnomAD compares: Middle Eastern, 0.086%; no homozygotes.

Submissions (5):

Women's Health and Genetics/Laboratory Corporation of America, LabCorp
Classification: Uncertain significance. Last evaluated: 2025-07-29. Review status: criteria provided, single submitter. Criteria: LabCorp Variant Classification Summary - May 2015. Collection method: clinical testing. Allele origin: germline.
Comment: Variant summary: MYO15A c.5964+3G>C alters a non-conserved nucleotide located close to a canonical splice site and therefore could affect mRNA splicing, leading to a significantly altered protein sequence. Several computational tools predict a significant impact on normal splicing: One predict the variant abolishes a 5' splicing donor site. Two predict the variant weakens a 5' donor site. One predict the variant &splice_pred3&. However, these predictions have yet to be confirmed by functional studies. The variant allele was found at a frequency of 9.3e-05 in 151150 control chromosomes. This frequency is not significantly higher than estimated for a pathogenic variant in MYO15A causing Autosomal Recessive Nonsyndromic Hearing Loss 3, allowing no conclusion about variant significance. To our knowledge, no occurrence of c.5964+3G>C in individuals affected with Autosomal Recessive Nonsyndromic Hearing Loss 3 and no experimental evidence demonstrating its impact on protein function have been reported. ClinVar contains an entry for this variant (Variation ID: 179269). Based on the evidence outlined above, the variant was classified as uncertain significance.

Labcorp Genetics (formerly Invitae), Labcorp
Classification: Uncertain significance. Last evaluated: 2022-02-05. Review status: criteria provided, single submitter. Criteria: Invitae Variant Classification Sherloc (09022015). Collection method: clinical testing. Allele origin: germline.
Comment: This sequence change falls in intron 26 of the MYO15A gene. It does not directly change the encoded amino acid sequence of the MYO15A protein. It affects a nucleotide within the consensus splice site. This variant is present in population databases (rs530975087, gnomAD 0.006%). This variant has not been reported in the literature in individuals affected with MYO15A-related conditions. ClinVar contains an entry for this variant (Variation ID: 179269). Variants that disrupt the consensus splice site are a relatively common cause of aberrant splicing (PMID: 17576681, 9536098). Algorithms developed to predict the effect of sequence changes on RNA splicing suggest that this variant may disrupt the consensus splice site. This variant disrupts the c.5964+3G nucleotide in the MYO15A gene. Other variant(s) that disrupt this nucleotide have been determined to be pathogenic (PMID: 24206587, 30953472). This suggests that this nucleotide is clinically significant, and that variants that disrupt this position are likely to be disease-causing. In summary, the available evidence is currently insufficient to determine the role of this variant in disease. Therefore, it has been classified as a Variant of Uncertain Significance.

GeneDx
Classification: Uncertain significance. Last evaluated: 2021-04-05. Review status: criteria provided, single submitter. Criteria: GeneDx Variant Classification Process June 2021. Collection method: clinical testing. Allele origin: germline. Affected: yes.
Comment: In-silico analysis, which includes splice predictors and evolutionary conservation, is inconclusive as to whether the variant alters gene splicing. In the absence of RNA/functional studies, the actual effect of this sequence change is unknown.

Molecular Diagnosis Center for Deafness
Classification: Pathogenic for Autosomal recessive nonsyndromic hearing loss 3. Last evaluated: 2020-02-27. Review status: criteria provided, single submitter. Criteria: ClinGen HL ACMG Specifications v1. Collection method: case-control. Allele origin: maternal. Inheritance: Autosomal recessive inheritance. Affected: yes. Observed: 3 variant alleles. Clinical features observed: Sensorineural Hearing loss, severe.

Laboratory for Molecular Medicine, Mass General Brigham Personalized Medicine
Classification: Uncertain significance. Last evaluated: 2013-10-11. Review status: criteria provided, single submitter. Criteria: LMM Criteria. Collection method: clinical testing. Allele origin: germline. Observed: 1 variant allele.
Comment: Variant classified as Uncertain Significance - Favor Benign. The 5964+3G>C varia nt in MYO15A has not been reported in individuals with hearing loss, and frequen cy data from large population studies is insufficient. This variant is located in the 5' splice region but not in the invariant +1/+2 positions in the splice s ite consensus sequence. Computational tools do not suggest and impact to splicin g; however, this information is not predictive enough to rule out pathogenicity. In summary, the clinical significance of this variant cannot be determined with certainty; however based upon splice site computational data, we would lean tow ards a more likely benign role.

Literature cited by the submitters: PubMed 17576681 (cited by Labcorp Genetics (formerly Invitae), Labcorp); PubMed 9536098 (cited by Labcorp Genetics (formerly Invitae), Labcorp); PubMed 24206587 (cited by Labcorp Genetics (formerly Invitae), Labcorp and Molecular Diagnosis Center for Deafness); PubMed 30953472 (cited by Labcorp Genetics (formerly Invitae), Labcorp).

NM_016239.4(MYO15A):c.5964+3G>C

Gene: MYO15A (myosin XVA; plus strand). Cytogenetic location: 17p11.2.
Variant type: single nucleotide variant.
Coding change: c.5964+3G>C on transcript NM_016239.4 (MANE Select); 3 bases into the intron after coding-DNA position 5964, G replaced by C.
Molecular consequence: intron variant.
Genome position (GRCh38, 1-based): chr17:18,143,622, G>C. VCF-style: chr17-18143622-G-C. GRCh37 (hg19) VCF-style: chr17-18046936-G-C.
Identifiers: ClinVar variation 179269 (VCV000179269.15), dbSNP rs530975087, ClinGen allele CA184084.